The following is an entry in ClinVar:

NM_001114753.3(ENG):c.1852+38C>T

Gene: ENG (endoglin; minus strand). Cytogenetic location: 9q34.11.
Variant type: single nucleotide variant.
Coding change: c.1852+38C>T on transcript NM_001114753.3 (MANE Select); 38 bases into the intron after coding-DNA position 1852, C replaced by T.
Molecular consequence: intron variant. On other transcripts: 3 prime UTR variant (1).
Genome position (GRCh38, 1-based): chr9:127,815,905, G>A on the plus strand (C>T on the coding strand, the complement: ENG is on the minus strand). VCF-style: chr9-127815905-G-A. GRCh37 (hg19) VCF-style: chr9-130578184-G-A.
Other names: c.*12C>T (NM_000118.4); c.1306+38C>T (NM_001278138.2).
Identifiers: ClinVar variation 4887341 (VCV004887341.1).

ClinVar aggregate classification (germline): Uncertain significance (1 of 4 stars; one submission).

gnomAD v4.1: 5 of 1,576,692 alleles (0.00032%); highest among the groups gnomAD compares: Non-Finnish European, 0.00043%; no homozygotes.

Submission:

Women's Health and Genetics/Laboratory Corporation of America, LabCorp
Classification: Uncertain significance. Last evaluated: 2026-06-11. Review status: criteria provided, single submitter. Criteria: LabCorp Variant Classification Summary - May 2015. Collection method: clinical testing. Allele origin: germline.
Comment: Variant summary: ENG c.*12C>T is located in the untranslated mRNA region downstream of the termination codon. The variant allele was found at a frequency of 5.3e-06 in 189304 control chromosomes. The available data on variant occurrences in the general population are insufficient to allow any conclusion about variant significance. To our knowledge, no occurrence of c.*12C>T in individuals affected with ENG-related conditions and no experimental evidence demonstrating its impact on protein function have been reported. No submitters have cited clinical-significance assessments for this variant to ClinVar. Based on the evidence outlined above, the variant was classified as uncertain significance.